The following is an entry in ClinVar:

ClinVar aggregate classification (germline): Uncertain significance. Review status: criteria provided, multiple submitters, no conflicts (2 of 4 stars). 3 submissions from 3 submitters: Uncertain significance (2). 1 of the submissions does not count toward it. Last evaluated 2023-12-11.

Conditions:
Autosomal recessive limb-girdle muscular dystrophy type 2B (LGMDR2). Also called: Limb-Girdle Muscular Dystrophy Type 2B (LGMD2B); MUSCULAR DYSTROPHY, LIMB-GIRDLE, TYPE 3; Limb-girdle muscular dystrophy, type 2B; MUSCULAR DYSTROPHY, LIMB-GIRDLE, AUTOSOMAL RECESSIVE 2. Identifiers: Orphanet 268, MedGen C1850889, MONDO:0009676, OMIM 253601.
Inborn genetic diseases. Identifiers: MedGen C0950123, MeSH D030342.
Neuromuscular disease caused by qualitative or quantitative defects of dysferlin. Also called: Dysferlinopathy; Qualitative or quantitative defects of dysferlin. Identifiers: Orphanet 207073, MedGen C2931687, MONDO:0016145.

Allele frequency attached by ClinVar (database versions not stated): gnomAD 0.00001; gnomAD exomes 0.00001 and 0.00003; TOPMed 0.00001; ExAC 0.00004.
gnomAD v4.1: 20 of 1,614,060 alleles (0.0012%); highest among the groups gnomAD compares: South Asian, 0.0022%; no homozygotes.

Submissions (3):

Ambry Genetics
Classification: Uncertain significance for Inborn genetic diseases. Last evaluated: 2023-12-11. Review status: criteria provided, single submitter. Criteria: Ambry Variant Classification Scheme 2023. Collection method: clinical testing. Allele origin: germline.

Labcorp Genetics (formerly Invitae), Labcorp
Classification: Uncertain significance for Neuromuscular disease caused by qualitative or quantitative defects of dysferlin. Last evaluated: 2021-08-28. Review status: criteria provided, single submitter. Criteria: Invitae Variant Classification Sherloc (09022015). Collection method: clinical testing. Allele origin: germline.
Comment: This sequence change replaces proline with leucine at codon 1282 of the DYSF protein (p.Pro1282Leu). The proline residue is moderately conserved and there is a moderate physicochemical difference between proline and leucine. This variant is present in population databases (rs767190885, ExAC 0.007%). This variant has not been reported in the literature in individuals affected with DYSF-related conditions. Algorithms developed to predict the effect of missense changes on protein structure and function are either unavailable or do not agree on the potential impact of this missense change (SIFT: "Tolerated"; PolyPhen-2: "Possibly Damaging"; Align-GVGD: "Class C0"). In summary, the available evidence is currently insufficient to determine the role of this variant in disease. Therefore, it has been classified as a Variant of Uncertain Significance.

Natera, Inc.
Classification: Uncertain significance for Limb-girdle muscular dystrophy type 2B. Last evaluated: 2020-03-20. Review status: no assertion criteria provided. Collection method: clinical testing. Allele origin: germline. Not counted in ClinVar's aggregate classification.

NM_001130987.2(DYSF):c.3899C>T (p.Pro1300Leu)

Gene: DYSF (dysferlin; plus strand). Cytogenetic location: 2p13.2.
Variant type: single nucleotide variant.
Coding change: c.3899C>T on transcript NM_001130987.2 (MANE Select); coding-DNA position 3899, C replaced by T.
Protein change: p.Pro1300Leu; replaces proline 1300 with leucine.
Molecular consequence: missense variant.
Genome position (GRCh38, 1-based): chr2:71,601,500, C>T. VCF-style: chr2-71601500-C-T. GRCh37 (hg19) VCF-style: chr2-71828630-C-T.
Other names: c.3848C>T, p.Pro1283Leu (NM_001130983.2, NM_001130455.2); c.3806C>T, p.Pro1269Leu (NM_001130984.2, NM_001130986.2); c.3899C>T, p.Pro1300Leu (NM_001130985.2); c.3845C>T, p.Pro1282Leu (NM_003494.4, NM_001130978.2); c.3803C>T, p.Pro1268Leu (NM_001130976.2, NM_001130977.2); c.3938C>T, p.Pro1313Leu (NM_001130979.2); c.3896C>T, p.Pro1299Leu (NM_001130980.2, NM_001130981.2); c.3941C>T, p.Pro1314Leu (NM_001130982.2); short protein forms P1299L, P1282L, P1300L, P1269L, P1314L, P1268L, P1283L, P1313L.
Identifiers: ClinVar variation 965538 (VCV000965538.8), dbSNP rs767190885, ClinGen allele CA1706773.